The following is an entry in ClinVar:

ClinVar aggregate classification (germline): Uncertain significance (1 of 4 stars; one submission).

Submission:

Labcorp Genetics (formerly Invitae), Labcorp
Classification: Uncertain significance. Last evaluated: 2023-08-02. Review status: criteria provided, single submitter. Criteria: Invitae Variant Classification Sherloc (09022015). Collection method: clinical testing. Allele origin: germline.
Comment: This sequence change replaces isoleucine, which is neutral and non-polar, with valine, which is neutral and non-polar, at codon 759 of the LAMB1 protein (p.Ile759Val). This variant is not present in population databases (gnomAD no frequency). This variant has not been reported in the literature in individuals affected with LAMB1-related conditions. An algorithm developed to predict the effect of missense changes on protein structure and function (PolyPhen-2) suggests that this variant is likely to be disruptive. In summary, the available evidence is currently insufficient to determine the role of this variant in disease. Therefore, it has been classified as a Variant of Uncertain Significance.

NM_002291.3(LAMB1):c.2275A>G (p.Ile759Val)

Gene: LAMB1 (laminin subunit beta 1; minus strand). Cytogenetic location: 7q31.1.
Variant type: single nucleotide variant.
Coding change: c.2275A>G on transcript NM_002291.3 (MANE Select); coding-DNA position 2275, A replaced by G.
Protein change: p.Ile759Val; replaces isoleucine 759 with valine.
Molecular consequence: missense variant.
Genome position (GRCh38, 1-based): chr7:107,960,484, T>C on the plus strand (A>G on the coding strand, the complement: LAMB1 is on the minus strand). VCF-style: chr7-107960484-T-C. GRCh37 (hg19) VCF-style: chr7-107600929-T-C.
Other names: short protein forms I759V.
Identifiers: ClinVar variation 2857999 (VCV002857999.3), dbSNP rs2535452221, ClinGen allele CA368868761.